The following is an entry in ClinVar:

ClinVar aggregate classification (germline): Benign (1 of 4 stars; one submission).

Allele frequency attached by ClinVar (database versions not stated): 1000 Genomes Project 0.09824; 1000 Genomes Project 30x 0.09963; TOPMed 0.14556; gnomAD 0.16948 and 0.16997.
gnomAD v4.1: 23,080 of 136,306 alleles (17%); highest among the groups gnomAD compares: Non-Finnish European, 21%; 1,987 homozygotes.

Submissions (6):

GeneDx
Classification: Benign. Last evaluated: 2018-06-14. Review status: criteria provided, single submitter. Criteria: GeneDx Variant Classification (06012015). Collection method: clinical testing. Allele origin: germline. Affected: yes.
Comment: This variant is considered likely benign or benign based on one or more of the following criteria: it is a conservative change, it occurs at a poorly conserved position in the protein, it is predicted to be benign by multiple in silico algorithms, and/or has population frequency not consistent with disease.

Dr. Peter K. Rogan Lab, Western University
No classification provided (evidence only). Condition: Acute myeloid leukemia. Review status: no classification provided. Collection method: in vitro. Allele origin: not applicable. Functional consequence: retained intron. Not counted in ClinVar's aggregate classification.

Dr. Peter K. Rogan Lab, Western University
No classification provided (evidence only). Condition: Cervical cancer. Review status: no classification provided. Collection method: in vitro. Allele origin: not applicable. Functional consequence: retained intron. Not counted in ClinVar's aggregate classification.

Dr. Peter K. Rogan Lab, Western University
No classification provided (evidence only). Condition: Thymoma. Review status: no classification provided. Collection method: in vitro. Allele origin: not applicable. Functional consequence: retained intron. Not counted in ClinVar's aggregate classification.

Dr. Peter K. Rogan Lab, Western University
No classification provided (evidence only). Condition: Malignant tumor of esophagus. Review status: no classification provided. Collection method: in vitro. Allele origin: not applicable. Functional consequence: retained intron. Not counted in ClinVar's aggregate classification.

Dr. Peter K. Rogan Lab, Western University
No classification provided (evidence only). Condition: Malignant tumor of esophagus. Review status: no classification provided. Collection method: in vitro. Allele origin: not applicable. Functional consequence: retained intron. Not counted in ClinVar's aggregate classification.

NM_033337.3(CAV3):c.114+171C>G

Gene: CAV3 (caveolin 3; plus strand). Cytogenetic location: 3p25.3.
Variant type: single nucleotide variant.
Coding change: c.114+171C>G on transcript NM_033337.3 (MANE Select); 171 bases into the intron after coding-DNA position 114, C replaced by G.
Molecular consequence: intron variant.
Genome position (GRCh38, 1-based): chr3:8,734,161, C>G. VCF-style: chr3-8734161-C-G. GRCh37 (hg19) VCF-style: chr3-8775847-C-G.
Other names: NC_000003.11:g.8775847C>G; c.114+171C>G (NM_001234.5).
Identifiers: ClinVar variation 672199 (VCV000672199.2), dbSNP rs1558991, ClinGen allele CA11547764.